The following is an entry in ClinVar:

ClinVar aggregate classification (germline): Uncertain significance (1 of 4 stars; one submission).

Conditions:
Ataxia-telangiectasia syndrome (AT). Also called: Ataxia-telangiectasia; AT, COMPLEMENTATION GROUP C; ATAXIA-TELANGIECTASIA, COMPLEMENTATION GROUP A; ATAXIA-TELANGIECTASIA, FRESNO VARIANT; Ataxia-telangiectasia, complementation group E; LOUIS-BAR SYNDROME. Identifiers: Orphanet 100, MedGen C0004135, MONDO:0008840, OMIM 208900.

Submission:

Labcorp Genetics (formerly Invitae), Labcorp
Classification: Uncertain significance for Ataxia-telangiectasia syndrome. Last evaluated: 2022-10-13. Review status: criteria provided, single submitter. Criteria: Invitae Variant Classification Sherloc (09022015). Collection method: clinical testing. Allele origin: germline.
Comment: This sequence change replaces tryptophan, which is neutral and slightly polar, with serine, which is neutral and polar, at codon 1221 of the ATM protein (p.Trp1221Ser). This variant is not present in population databases (gnomAD no frequency). This variant has not been reported in the literature in individuals affected with ATM-related conditions. Algorithms developed to predict the effect of missense changes on protein structure and function (SIFT, PolyPhen-2, Align-GVGD) all suggest that this variant is likely to be disruptive. In summary, the available evidence is currently insufficient to determine the role of this variant in disease. Therefore, it has been classified as a Variant of Uncertain Significance.

NM_000051.4(ATM):c.3662G>C (p.Trp1221Ser)

Gene: ATM (ATM serine/threonine kinase; plus strand). Cytogenetic location: 11q22.3.
Variant type: single nucleotide variant.
Coding change: c.3662G>C on transcript NM_000051.4 (MANE Select); coding-DNA position 3662, G replaced by C.
Protein change: p.Trp1221Ser; replaces tryptophan 1221 with serine.
Molecular consequence: missense variant.
Genome position (GRCh38, 1-based): chr11:108,282,795, G>C. VCF-style: chr11-108282795-G-C. GRCh37 (hg19) VCF-style: chr11-108153522-G-C.
Other names: c.3662G>C, p.Trp1221Ser (NM_001351834.2); short protein forms W1221S.
Identifiers: ClinVar variation 2112029 (VCV002112029.4), dbSNP rs2135689111, ClinGen allele CA382523087.